The following is an entry in ClinVar:

ClinVar aggregate classification (germline): Pathogenic/Likely pathogenic. Review status: criteria provided, multiple submitters, no conflicts (2 of 4 stars). 3 submissions from 3 submitters: Pathogenic (2); Likely pathogenic (1). Last evaluated 2024-11-21.

Conditions:
ASAH1-related disorders. Also called: ASAH1-related condition; ASAH1-related disorder. Identifiers: MedGen CN376120, MONDO:0800460.
Farber lipogranulomatosis (FRBRL). Also called: Farber's lipogranulomatosis; AC DEFICIENCY; ACID CERAMIDASE DEFICIENCY; CERAMIDASE DEFICIENCY; N-LAURYLSPHINGOSINE DEACYLASE DEFICIENCY; Farber's disease. Identifiers: Orphanet 333, MedGen C0268255, MONDO:0009218, OMIM 228000.
Spinal muscular atrophy-progressive myoclonic epilepsy syndrome. Also called: Spinal Muscular Atrophy with Progressive Myoclonic Epilepsy (SMA-PME); MYOCLONUS, HEREDITARY, WITH PROGRESSIVE DISTAL MUSCULAR ATROPHY; Hereditary myoclonus and progressive distal muscular atrophy; Spinal muscular atrophy with progressive myoclonic epilepsy. Identifiers: Orphanet 2590, MedGen C1834569, MONDO:0008045, OMIM 159950.

gnomAD v4.1: 3 of 1,605,204 alleles (0.00019%); highest among the groups gnomAD compares: Middle Eastern, 0.017%; no homozygotes.

Submissions (3):

Blueprint Genetics
Classification: Likely pathogenic for ASAH1-related disorders. Last evaluated: 2024-11-21. Review status: criteria provided, single submitter. Criteria: ACMG Guidelines, 2015. Collection method: clinical testing. Allele origin: germline. Affected: yes. Observed: 1 variant allele.

Department of Pathology and Laboratory Medicine, Sinai Health System
Classification: Pathogenic for Farber lipogranulomatosis; Spinal muscular atrophy-progressive myoclonic epilepsy syndrome. Last evaluated: 2022-04-26. Review status: criteria provided, single submitter. Criteria: ACMG Guidelines, 2015. Collection method: research. Allele origin: germline.

Labcorp Genetics (formerly Invitae), Labcorp
Classification: Pathogenic. Last evaluated: 2022-04-07. Review status: criteria provided, single submitter. Criteria: Invitae Variant Classification Sherloc (09022015). Collection method: clinical testing. Allele origin: germline.
Comment: For these reasons, this variant has been classified as Pathogenic. Algorithms developed to predict the effect of sequence changes on RNA splicing suggest that this variant may disrupt the consensus splice site. This premature translational stop signal has been observed in individual(s) with spinal muscular atrophy with progressive myoclonic epilepsy (PMID: 25847462). This variant is not present in population databases (gnomAD no frequency). This sequence change creates a premature translational stop signal (p.Tyr59*) in the ASAH1 gene. It is expected to result in an absent or disrupted protein product. Loss-of-function variants in ASAH1 are known to be pathogenic (PMID: 24164096, 24355074).

Literature cited by the submitters: PubMed 25847462 (cited by Labcorp Genetics (formerly Invitae), Labcorp); PubMed 24164096 (cited by Labcorp Genetics (formerly Invitae), Labcorp); PubMed 24355074 (cited by Labcorp Genetics (formerly Invitae), Labcorp).

NM_177924.5(ASAH1):c.177C>A (p.Tyr59Ter)

Gene: ASAH1 (N-acylsphingosine amidohydrolase 1; minus strand). Cytogenetic location: 8p22.
Variant type: single nucleotide variant.
Coding change: c.177C>A on transcript NM_177924.5 (MANE Select); coding-DNA position 177, C replaced by A.
Protein change: p.Tyr59Ter; replaces tyrosine 59 with a stop codon.
Molecular consequence: nonsense. On other transcripts: 5 prime UTR variant (1).
Genome position (GRCh38, 1-based): chr8:18,071,339, G>T on the plus strand (C>A on the coding strand, the complement: ASAH1 is on the minus strand). VCF-style: chr8-18071339-G-T. GRCh37 (hg19) VCF-style: chr8-17928848-G-T.
Other names: c.246C>A, p.Tyr82Ter (NM_001127505.3); c.-19C>A (NM_001363743.2); c.225C>A, p.Tyr75Ter (NM_004315.6); short protein forms Y59*, Y75*, Y82*.
Identifiers: ClinVar variation 2413836 (VCV002413836.8), dbSNP rs766395283, ClinGen allele CA370433962.